The following is an entry in ClinVar:

ClinVar aggregate classification (germline): Uncertain significance (1 of 4 stars; one submission).

Conditions:
PLXNA2-related disorder. Also called: PLXNA2-related condition.

Submission:

PreventionGenetics, part of Exact Sciences
Classification: Uncertain significance for PLXNA2-related condition. Last evaluated: 2025-02-25. Review status: criteria provided, single submitter. Criteria: ACMG Guidelines, 2015. Collection method: clinical testing. Allele origin: germline.
Comment: The PLXNA2 c.358G>A variant is predicted to result in the amino acid substitution p.Asp120Asn. To our knowledge, this variant has not been reported in the literature or in a large population database (gnomAD), indicating this variant is rare. At this time, the clinical significance of this variant is uncertain due to the absence of conclusive functional and genetic evidence.

NM_025179.4(PLXNA2):c.358G>A (p.Asp120Asn)

Gene: PLXNA2 (plexin A2; minus strand). Cytogenetic location: 1q32.2.
Variant type: single nucleotide variant.
Coding change: c.358G>A on transcript NM_025179.4 (MANE Select); coding-DNA position 358, G replaced by A.
Protein change: p.Asp120Asn; replaces aspartic acid 120 with asparagine.
Molecular consequence: missense variant.
Genome position (GRCh38, 1-based): chr1:208,217,565, C>T on the plus strand (G>A on the coding strand, the complement: PLXNA2 is on the minus strand). VCF-style: chr1-208217565-C-T. GRCh37 (hg19) VCF-style: chr1-208390910-C-T.
Other names: short protein forms D120N.
Identifiers: ClinVar variation 5000040 (VCV005000040.1).